The following is an entry in ClinVar:

NM_001163435.3(TBCK):c.1130A>T (p.Asp377Val)

Gene: TBCK (TBC1 domain containing kinase; minus strand). Cytogenetic location: 4q24.
Variant type: single nucleotide variant.
Coding change: c.1130A>T on transcript NM_001163435.3 (MANE Select); coding-DNA position 1130, A replaced by T.
Protein change: p.Asp377Val; replaces aspartic acid 377 with valine.
Molecular consequence: missense variant.
Genome position (GRCh38, 1-based): chr4:106,242,510, T>A on the plus strand (A>T on the coding strand, the complement: TBCK is on the minus strand). VCF-style: chr4-106242510-T-A. GRCh37 (hg19) VCF-style: chr4-107163667-T-A.
Other names: c.1130A>T, p.Asp377Val (NM_001163436.4); c.1013A>T, p.Asp338Val (NM_001163437.3); c.614A>T, p.Asp205Val (NM_001290768.2); c.941A>T, p.Asp314Val (NM_033115.5); c.1130A>T (NM_001163435.1); short protein forms D377V, D205V, D314V, D338V.
Identifiers: ClinVar variation 392187 (VCV000392187.36), dbSNP rs34840340, ClinGen allele CA3035183.
Genomic context (GRCh38, chr4:106,242,510, plus strand): 5'-TGTCAAAATATCTTTCTTACATTTCTTAGCTGGCATAACGACAATGTCACAGTGGTATCA[T>A]CTAAAAGCGAGCTTCTATCTCGACCTTGTCCAAAGCTTTCACCATCCTCAAAGAGAAAAC-3'
Protein context (NP_001156907.2, residues 367-387): GQGRDRSSLL[Asp377Val]DTTVTLSLCQ

ClinVar aggregate classification (germline): Conflicting classifications of pathogenicity. Review status: criteria provided, conflicting classifications (1 of 4 stars). 7 submissions from 7 submitters: Uncertain significance (2); Likely benign (4). 1 of the submissions does not count toward it. Last evaluated 2026-02-03.

Conditions:
Inborn genetic diseases. Identifiers: MedGen C0950123, MeSH D030342.
TBCK-related disorder. Also called: TBCK-related condition; TBCK-related disorders.

Allele frequency attached by ClinVar (database versions not stated): 1000 Genomes Project 0.00100; 1000 Genomes Project 30x 0.00125; TOPMed 0.00184; gnomAD 0.00222 and 0.00225; ESP Exome Variant Server 0.00238.
gnomAD v4.1: 4,770 of 1,609,690 alleles (0.3%); highest among the groups gnomAD compares: Non-Finnish European, 0.35%; 8 homozygotes.

Submissions (7):

Labcorp Genetics (formerly Invitae), Labcorp
Classification: Likely benign. Last evaluated: 2026-02-03. Review status: criteria provided, single submitter. Criteria: Invitae Variant Classification Sherloc (09022015). Collection method: clinical testing. Allele origin: germline.

Women's Health and Genetics/Laboratory Corporation of America, LabCorp
Classification: Likely benign. Last evaluated: 2025-03-26. Review status: criteria provided, single submitter. Criteria: LabCorp Variant Classification Summary - May 2015. Collection method: clinical testing. Allele origin: germline.
Comment: Variant summary: TBCK c.1130A>T (p.Asp377Val) results in a non-conservative amino acid change in the encoded protein sequence. Four of five in-silico tools predict a damaging effect of the variant on protein function. The variant allele was found at a frequency of 0.0021 in 248856 control chromosomes, predominantly at a frequency of 0.0032 within the Non-Finnish European subpopulation in the gnomAD database. The observed variant frequency within Non-Finnish European control individuals in the gnomAD database is approximately 3 - fold of the estimated maximal expected allele frequency for a pathogenic variant in TBCK causing Hypotonia, Infantile, With Psychomotor Retardation And Characteristic Facies 3 phenotype (0.0011). To our knowledge, no occurrence of c.1130A>T in individuals affected with Hypotonia, Infantile, With Psychomotor Retardation And Characteristic Facies 3 and no experimental evidence demonstrating its impact on protein function have been reported. ClinVar contains an entry for this variant (Variation ID: 392187). Based on the evidence outlined above, the variant was classified as likely benign.

Blueprint Genetics
Classification: Uncertain significance. Last evaluated: 2024-11-25. Review status: criteria provided, single submitter. Criteria: ACMG Guidelines, 2015. Collection method: clinical testing. Allele origin: germline.

CeGaT Center for Human Genetics Tuebingen
Classification: Likely benign. Last evaluated: 2024-09-01. Review status: criteria provided, single submitter. Criteria: CeGaT Center For Human Genetics Tuebingen Variant Classification Criteria Version 2. Collection method: clinical testing. Allele origin: germline. Affected: yes. Observed: 1 variant allele.
Comment: TBCK: BS1:Supporting

GeneDx
Classification: Uncertain significance. Last evaluated: 2023-09-15. Review status: criteria provided, single submitter. Criteria: GeneDx Variant Classification Process June 2021. Collection method: clinical testing. Allele origin: germline. Affected: yes.
Comment: In silico analysis supports that this missense variant has a deleterious effect on protein structure/function; In silico analysis is inconclusive as to whether the variant alters gene splicing. In the absence of RNA/functional studies, the actual effect of this sequence change is unknown.; Has not been previously published as pathogenic or benign to our knowledge

Ambry Genetics
Classification: Likely benign for Inborn genetic diseases. Last evaluated: 2021-06-11. Review status: criteria provided, single submitter. Criteria: Ambry Variant Classification Scheme 2023. Collection method: clinical testing. Allele origin: germline.

PreventionGenetics, part of Exact Sciences
Classification: Likely benign for TBCK-related condition. Last evaluated: 2021-07-08. Review status: no assertion criteria provided. Collection method: clinical testing. Allele origin: germline. Not counted in ClinVar's aggregate classification.
Comment: This variant is classified as likely benign based on ACMG/AMP sequence variant interpretation guidelines (Richards et al. 2015 PMID: 25741868, with internal and published modifications).